The following is an entry in ClinVar:

NM_000815.5(GABRD):c.847+5G>A

Gene: GABRD (gamma-aminobutyric acid type A receptor subunit delta; plus strand). Cytogenetic location: 1p36.33.
Variant type: single nucleotide variant.
Coding change: c.847+5G>A on transcript NM_000815.5 (MANE Select); 5 bases into the intron after coding-DNA position 847, G replaced by A.
Molecular consequence: intron variant.
Genome position (GRCh38, 1-based): chr1:2,029,271, G>A. VCF-style: chr1-2029271-G-A. GRCh37 (hg19) VCF-style: chr1-1960710-G-A.
Identifiers: ClinVar variation 856526 (VCV000856526.7), dbSNP rs1231232821, ClinGen allele CA521013228.

ClinVar aggregate classification (germline): Uncertain significance (1 of 4 stars; one submission).

Conditions:
Idiopathic generalized epilepsy. Also called: Generalised epilepsy; EIG. Identifiers: MedGen C0270850, MONDO:0005579, OMIM 600669.

Allele frequency attached by ClinVar (database versions not stated): gnomAD exomes 0.00001; gnomAD 0.00003; TOPMed 0.00003.
gnomAD v4.1: 13 of 1,553,754 alleles (0.00084%); highest among the groups gnomAD compares: East Asian, 0.0024%; no homozygotes.

Submission:

Labcorp Genetics (formerly Invitae), Labcorp
Classification: Uncertain significance for Idiopathic generalized epilepsy. Last evaluated: 2020-03-07. Review status: criteria provided, single submitter. Criteria: Invitae Variant Classification Sherloc (09022015). Collection method: clinical testing. Allele origin: germline.
Comment: In summary, the available evidence is currently insufficient to determine the role of this variant in disease. Therefore, it has been classified as a Variant of Uncertain Significance. This sequence change falls in intron 7 of the GABRD gene. It does not directly change the encoded amino acid sequence of the GABRD protein, but it affects a nucleotide within the consensus splice site of the intron. This variant is not present in population databases (ExAC no frequency). This variant has not been reported in the literature in individuals with GABRD-related conditions. Nucleotide substitutions within the consensus splice site are a relatively common cause of aberrant splicing (PMID: 17576681, 9536098). Algorithms developed to predict the effect of sequence changes on RNA splicing suggest that this variant may disrupt the consensus splice site, but this prediction has not been confirmed by published transcriptional studies.

Literature cited by the submitters: PubMed 17576681; PubMed 9536098.